The following is an entry in ClinVar:

ClinVar aggregate classification (germline): Uncertain significance (1 of 4 stars; one submission).

Allele frequency attached by ClinVar (database versions not stated): gnomAD exomes below 0.00001; TOPMed 0.00001.
gnomAD v4.1: 1 of 1,614,076 alleles (0.000062%); highest among the groups gnomAD compares: Admixed American, 0.0017%; no homozygotes.

Submission:

Labcorp Genetics (formerly Invitae), Labcorp
Classification: Uncertain significance. Last evaluated: 2024-12-02. Review status: criteria provided, single submitter. Criteria: Invitae Variant Classification Sherloc (09022015). Collection method: clinical testing. Allele origin: germline.
Comment: This sequence change replaces valine, which is neutral and non-polar, with alanine, which is neutral and non-polar, at codon 3049 of the VCAN protein (p.Val3049Ala). This variant is not present in population databases (gnomAD no frequency). This variant has not been reported in the literature in individuals affected with VCAN-related conditions. ClinVar contains an entry for this variant (Variation ID: 1026822). An algorithm developed to predict the effect of missense changes on protein structure and function outputs the following: PolyPhen-2: "Benign". The alanine amino acid residue is found in multiple mammalian species, which suggests that this missense change does not adversely affect protein function. In summary, the available evidence is currently insufficient to determine the role of this variant in disease. Therefore, it has been classified as a Variant of Uncertain Significance.

NM_004385.5(VCAN):c.9146T>C (p.Val3049Ala)

Genes: VCAN (versican; plus strand), VCAN-AS1 (VCAN antisense RNA 1; minus strand). Cytogenetic location: 5q14.3.
Variant type: single nucleotide variant.
Coding change: c.9146T>C on transcript NM_004385.5 (MANE Select); coding-DNA position 9146, T replaced by C.
Protein change: p.Val3049Ala; replaces valine 3049 with alanine.
Molecular consequence: missense variant. On other transcripts: intron variant (2).
Genome position (GRCh38, 1-based): chr5:83,542,149, T>C. VCF-style: chr5-83542149-T-C. GRCh37 (hg19) VCF-style: chr5-82837968-T-C.
Other names: c.6185T>C, p.Val2062Ala (NM_001164097.2); c.4004-3388T>C (NM_001164098.2); c.1043-3388T>C (NM_001126336.3); short protein forms V2062A, V3049A.
Identifiers: ClinVar variation 1026822 (VCV001026822.8), dbSNP rs1561259829, ClinGen allele CA360295209.